The following is an entry in ClinVar:

NM_018052.5(VAC14):c.873C>T (p.Arg291=)

Gene: VAC14 (VAC14 component of PIKFYVE complex; minus strand). Cytogenetic location: 16q22.1.
Variant type: single nucleotide variant.
Coding change: c.873C>T on transcript NM_018052.5 (MANE Select); coding-DNA position 873, C replaced by T.
Protein change: p.Arg291=; no amino-acid change (arginine 291 retained).
Molecular consequence: synonymous variant.
Genome position (GRCh38, 1-based): chr16:70,781,942, G>A on the plus strand (C>T on the coding strand, the complement: VAC14 is on the minus strand). VCF-style: chr16-70781942-G-A. GRCh37 (hg19) VCF-style: chr16-70815845-G-A.
Other names: c.171C>T, p.Arg57= (NM_001351157.2).
Identifiers: ClinVar variation 713668 (VCV000713668.33), dbSNP rs200285981, ClinGen allele CA8147916.

ClinVar aggregate classification (germline): Likely benign. Review status: criteria provided, multiple submitters, no conflicts (2 of 4 stars). 3 submissions from 3 submitters: Likely benign (2). 1 of the submissions does not count toward it. Last evaluated 2026-04-01.

Conditions:
VAC14-related disorder. Also called: VAC14-related condition.

Allele frequency attached by ClinVar (database versions not stated): 1000 Genomes Project 30x 0.00016; ExAC 0.00016; gnomAD 0.00018; 1000 Genomes Project 0.00020; TOPMed 0.00025; ESP Exome Variant Server 0.00031.
gnomAD v4.1: 453 of 1,614,114 alleles (0.028%); highest among the groups gnomAD compares: Non-Finnish European, 0.031%; no homozygotes.

Submissions (3):

CeGaT Center for Human Genetics Tuebingen
Classification: Likely benign. Last evaluated: 2026-04-01. Review status: criteria provided, single submitter. Criteria: CeGaT Center For Human Genetics Tuebingen Variant Classification Criteria Version 2. Collection method: clinical testing. Allele origin: germline. Affected: yes. Observed: 2 variant alleles.
Comment: VAC14: BP4, BP7

Labcorp Genetics (formerly Invitae), Labcorp
Classification: Likely benign. Last evaluated: 2026-01-18. Review status: criteria provided, single submitter. Criteria: Invitae Variant Classification Sherloc (09022015). Collection method: clinical testing. Allele origin: germline.

PreventionGenetics, part of Exact Sciences
Classification: Likely benign for VAC14-related condition. Last evaluated: 2019-03-26. Review status: no assertion criteria provided. Collection method: clinical testing. Allele origin: germline. Not counted in ClinVar's aggregate classification.
Comment: This variant is classified as likely benign based on ACMG/AMP sequence variant interpretation guidelines (Richards et al. 2015 PMID: 25741868, with internal and published modifications).